The following is an entry in ClinVar:

ClinVar aggregate classification (germline): Uncertain significance (1 of 4 stars; one submission).

Submission:

GeneDx
Classification: Uncertain significance. Last evaluated: 2022-07-21. Review status: criteria provided, single submitter. Criteria: GeneDx Variant Classification Process June 2021. Collection method: clinical testing. Allele origin: germline. Affected: yes.
Comment: Has not been previously published as pathogenic or benign to our knowledge; Not observed at significant frequency in large population cohorts (gnomAD); In silico analysis supports that this missense variant does not alter protein structure/function

NM_001385012.1(NBEA):c.4847C>A (p.Ser1616Tyr)

Gene: NBEA (neurobeachin; plus strand). Cytogenetic location: 13q13.3.
Variant type: single nucleotide variant.
Coding change: c.4847C>A on transcript NM_001385012.1 (MANE Select); coding-DNA position 4847, C replaced by A.
Protein change: p.Ser1616Tyr; replaces serine 1616 with tyrosine.
Molecular consequence: missense variant.
Genome position (GRCh38, 1-based): chr13:35,183,991, C>A. VCF-style: chr13-35183991-C-A. GRCh37 (hg19) VCF-style: chr13-35758128-C-A.
Other names: c.4838C>A, p.Ser1613Tyr (NM_001379245.1); c.4847C>A, p.Ser1616Tyr (NM_015678.5); short protein forms S1616Y, S1613Y.
Identifiers: ClinVar variation 2136227 (VCV002136227.1), dbSNP rs1217089986, ClinGen allele CA387833234.